The following is an entry in ClinVar:

ClinVar aggregate classification (germline): Uncertain significance. Review status: criteria provided, multiple submitters, no conflicts (2 of 4 stars). 2 submissions from 2 submitters: Uncertain significance (2). Last evaluated 2023-10-30.

Conditions:
Dejerine-Sottas disease. Also called: DEJERINE-SOTTAS NEUROPATHY; HEREDITARY MOTOR AND SENSORY NEUROPATHY TYPE III; HMSN Type III; Hereditary motor and sensory neuropathy 3; Charcot-Marie-Tooth disease type 3. Identifiers: Orphanet 64748, MedGen C0011195, MONDO:0007790, OMIM 145900.

Allele frequency attached by ClinVar (database versions not stated): gnomAD exomes below 0.00001; ExAC 0.00001; gnomAD 0.00001.
gnomAD v4.1: 6 of 1,607,052 alleles (0.00037%); highest among the groups gnomAD compares: South Asian, 0.0044%; no homozygotes.

Submissions (2):

Revvity Omics, Revvity
Classification: Uncertain significance. Last evaluated: 2023-10-30. Review status: criteria provided, single submitter. Criteria: ACMG Guidelines, 2015. Collection method: clinical testing. Allele origin: germline.

Foundation for Research in Genetics and Endocrinology, FRIGE's Institute of Human Genetics
Classification: Uncertain significance for Dejerine-Sottas disease. Last evaluated: 2021-11-08. Review status: criteria provided, single submitter. Criteria: ACMG Guidelines, 2015. Collection method: clinical testing. Allele origin: germline. Inheritance: Autosomal dominant inheritance. Affected: yes. Observed: 1 heterozygote.
Comment: A heterozygous missense variation in exon 7 of the PRX gene that results in the amino acid substitution of Methionine for Valine at codon 1415 was detected. The observed variant c.4243G>A (p.Val1415Met) has not been reported in the 1000 genomes and has allele frequency of 0.0067% in gnomAD databases. The variant is estimated to be pathogenic according to DANN, CADD and FATHMM. According to the ACMG-A<P classification, the variant is classified as a VUS.

NM_181882.3(PRX):c.4243G>A (p.Val1415Met)

Gene: PRX (periaxin; minus strand). Cytogenetic location: 19q13.2.
Variant type: single nucleotide variant.
Coding change: c.4243G>A on transcript NM_181882.3 (MANE Select); coding-DNA position 4243, G replaced by A.
Protein change: p.Val1415Met; replaces valine 1415 with methionine.
Molecular consequence: missense variant. On other transcripts: 3 prime UTR variant (1).
Genome position (GRCh38, 1-based): chr19:40,394,109, C>T on the plus strand (G>A on the coding strand, the complement: PRX is on the minus strand). VCF-style: chr19-40394109-C-T. GRCh37 (hg19) VCF-style: chr19-40900016-C-T.
Other names: p.Val1415Met; c.4528G>A, p.Val1510Met (NM_001411127.1); c.*4448G>A (NM_020956.2); short protein forms V1415M, V1510M.
Identifiers: ClinVar variation 1710493 (VCV001710493.5), dbSNP rs201222650, ClinGen allele CA9443660.